The following is an entry in ClinVar:

ClinVar aggregate classification (germline): Benign/Likely benign. Review status: criteria provided, multiple submitters, no conflicts (2 of 4 stars). 4 submissions from 4 submitters: Benign (1); Likely benign (3). Last evaluated 2025-12-09.

Conditions:
Epiphyseal dysplasia, multiple, 2 (EDM2). Also called: COL9A2-Related Multiple Epiphyseal Dysplasia. Identifiers: MedGen C1838429, MONDO:0010844, OMIM 600204.

Allele frequency attached by ClinVar (database versions not stated): gnomAD below 0.00001 and 0.00003; TOPMed 0.00001; gnomAD exomes 0.00017; 1000 Genomes Project 30x 0.00031; 1000 Genomes Project 0.00040; ExAC 0.00040.
gnomAD v4.1: 86 of 1,579,348 alleles (0.0054%); highest among the groups gnomAD compares: South Asian, 0.085%; 1 homozygote.

Submissions (4):

Women's Health and Genetics/Laboratory Corporation of America, LabCorp
Classification: Likely benign. Last evaluated: 2025-12-09. Review status: criteria provided, single submitter. Criteria: LabCorp Variant Classification Summary - May 2015. Collection method: clinical testing. Allele origin: germline.

Labcorp Genetics (formerly Invitae), Labcorp
Classification: Likely benign. Last evaluated: 2025-09-22. Review status: criteria provided, single submitter. Criteria: Invitae Variant Classification Sherloc (09022015). Collection method: clinical testing. Allele origin: germline.

Blueprint Genetics
Classification: Benign. Last evaluated: 2024-09-10. Review status: criteria provided, single submitter. Criteria: ACMG Guidelines, 2015. Collection method: clinical testing. Allele origin: germline.

Illumina Laboratory Services, Illumina
Classification: Likely benign for Epiphyseal dysplasia, multiple, 2. Last evaluated: 2018-01-13. Review status: criteria provided, single submitter. Criteria: ICSL Variant Classification Criteria 13 December 2019. Collection method: clinical testing. Allele origin: germline.
Comment: This variant was observed in the ICSL laboratory as part of a predisposition screen in an ostensibly healthy population. It had not been previously curated by ICSL or reported in the Human Gene Mutation Database (HGMD: prior to June 1st, 2018), and was therefore a candidate for classification through an automated scoring system. Utilizing variant allele frequency, disease prevalence and penetrance estimates, and inheritance mode, an automated score was calculated to assess if this variant is too frequent to cause the disease. Based on the score and internal cut-off values, a variant classified as likely benign is not then subjected to further curation. The score for this variant resulted in a classification of likely benign for this disease.

NM_001852.4(COL9A2):c.1323+14C>A

Gene: COL9A2 (collagen type IX alpha 2 chain; minus strand). Cytogenetic location: 1p34.2.
Variant type: single nucleotide variant.
Coding change: c.1323+14C>A on transcript NM_001852.4 (MANE Select); 14 bases into the intron after coding-DNA position 1323, C replaced by A.
Molecular consequence: intron variant.
Genome position (GRCh38, 1-based): chr1:40,304,050, G>T on the plus strand (C>A on the coding strand, the complement: COL9A2 is on the minus strand). VCF-style: chr1-40304050-G-T. GRCh37 (hg19) VCF-style: chr1-40769722-G-T.
Identifiers: ClinVar variation 297298 (VCV000297298.11), dbSNP rs568467832, ClinGen allele CA791491.